The following is an entry in ClinVar:

ClinVar aggregate classification (germline): Likely pathogenic (1 of 4 stars; one submission).

Conditions:
Beck-Fahrner syndrome (BEFAHRS). Identifiers: Orphanet 684216, MedGen C5394097, MONDO:0032922, OMIM 618798.

Submission:

Centre of Medical Genetics, University Hospital Muenster
Classification: Likely pathogenic for Beck-Fahrner syndrome. Last evaluated: 2023-04-03. Review status: criteria provided, single submitter. Criteria: ACMG Guidelines, 2015. Collection method: clinical testing. Allele origin: unknown. Affected: yes. Observed: 1 variant allele, 1 heterozygote.
Comment: ACMG categories: PVS1,PM2

NM_001287491.2(TET3):c.1993del (p.Ala665fs)

Gene: TET3 (tet methylcytosine dioxygenase 3; plus strand). Cytogenetic location: 2p13.1.
Variant type: Deletion.
Coding change: c.1993del on transcript NM_001287491.2 (MANE Select); coding-DNA position 1993, one base deleted (G; older notation c.1993delG).
Protein change: p.Ala665fs; shifts the reading frame from alanine 665.
Molecular consequence: frameshift variant.
Genome position (GRCh38, 1-based): chr2:74,047,910, G deleted. VCF-style (leftmost placement, unchanged base first): chr2-74047909-TG-T. GRCh37 (hg19) VCF-style: chr2-74275036-TG-T.
Other names: c.1714del, p.Ala572fs (NM_001366022.1); c.1588delG, p.Ala530Argfs (NM_144993.1); short protein forms A572fs, A665fs.
Identifiers: ClinVar variation 3248629 (VCV003248629.2), dbSNP rs2467441966.